The following is an entry in ClinVar:

ClinVar aggregate classification (germline): Uncertain significance (1 of 4 stars; one submission).

Conditions:
Charcot-Marie-Tooth disease type 2. Also called: Charcot-Marie-Tooth type 2. Identifiers: Orphanet 64746, MedGen C0270914, MONDO:0018993.

Submission:

Labcorp Genetics (formerly Invitae), Labcorp
Classification: Uncertain significance for Charcot-Marie-Tooth disease type 2. Last evaluated: 2024-04-15. Review status: criteria provided, single submitter. Criteria: Invitae Variant Classification Sherloc (09022015). Collection method: clinical testing. Allele origin: germline.
Comment: This sequence change replaces valine, which is neutral and non-polar, with isoleucine, which is neutral and non-polar, at codon 70 of the LMNA protein (p.Val70Ile). This variant is not present in population databases (gnomAD no frequency). This missense change has been observed in individual(s) with clinical features of LMNA-related conditions (PMID: 30420677). ClinVar contains an entry for this variant (Variation ID: 2169481). Advanced modeling of protein sequence and biophysical properties (such as structural, functional, and spatial information, amino acid conservation, physicochemical variation, residue mobility, and thermodynamic stability) performed at Invitae indicates that this missense variant is expected to disrupt LMNA protein function with a positive predictive value of 95%. In summary, the available evidence is currently insufficient to determine the role of this variant in disease. Therefore, it has been classified as a Variant of Uncertain Significance.

Literature cited by the submitters: PubMed 30420677.

NM_170707.4(LMNA):c.208G>A (p.Val70Ile)

Gene: LMNA (lamin A/C; plus strand). Cytogenetic location: 1q22.
Variant type: single nucleotide variant.
Coding change: c.208G>A on transcript NM_170707.4 (MANE Select); coding-DNA position 208, G replaced by A.
Protein change: p.Val70Ile; replaces valine 70 with isoleucine.
Molecular consequence: missense variant.
Genome position (GRCh38, 1-based): chr1:156,115,126, G>A. VCF-style: chr1-156115126-G-A. GRCh37 (hg19) VCF-style: chr1-156084917-G-A.
Other names: c.208G>A, p.Val70Ile (NM_001282625.2, NM_001282626.2, NM_001406983.1 and 6 more transcripts); c.-216G>A (NM_001406986.1); c.-194G>A (NM_001406990.1, NM_001406995.1, NM_001407002.1); c.-457G>A (NM_001406994.1, NM_001407000.1); c.-637G>A (NM_001406999.1); c.-300G>A (NM_001407001.1); short protein forms V70I.
Identifiers: ClinVar variation 2169481 (VCV002169481.4), dbSNP rs954945844, ClinGen allele CA342808247.
Genomic context (GRCh38, chr1:156,115,126, plus strand): 5'-CGCTCGCTGGAAACGGAGAACGCAGGGCTGCGCCTTCGCATCACCGAGTCTGAAGAGGTG[G>A]TCAGCCGCGAGGTGTCCGGCATCAAGGCCGCCTACGAGGCCGAGCTCGGGGATGCCCGCA-3'
Protein context (NP_733821.1, residues 60-80): RLRITESEEV[Val70Ile]SREVSGIKAA